The following is an entry in ClinVar:

ClinVar aggregate classification (germline): Conflicting classifications of pathogenicity. Review status: criteria provided, conflicting classifications (1 of 4 stars). 4 submissions from 4 submitters: Pathogenic (1); Likely pathogenic (2); Uncertain significance (1). Last evaluated 2026-09-17.

Conditions:
Age related macular degeneration 4. Identifiers: MedGen C1853147, MONDO:0012540, OMIM 610698.
Atypical hemolytic-uremic syndrome. Identifiers: Orphanet 2134, MedGen C2931788, MONDO:0016244.
Hemolytic uremic syndrome, atypical, susceptibility to, 1. Also called: AHUS, SUSCEPTIBILITY TO, 1. Identifiers: Orphanet 2134, Orphanet 90038, MedGen C2749604, MONDO:0009335, OMIM 235400. Disease mechanism: Other.

gnomAD v4.1: 8 of 1,613,742 alleles (0.0005%); highest among the groups gnomAD compares: Non-Finnish European, 0.00068%; no homozygotes.

Submissions (4):

Genomenon, Inc
Classification: Likely pathogenic for Age related macular degeneration 4; Atypical hemolytic-uremic syndrome. Last evaluated: 2026-09-17. Review status: criteria provided, single submitter. Criteria: Genomenon Sequence Variant Interpretation Standards - Updated. Collection method: curation. Allele origin: germline. Affected: yes.
Comment: CFH p.Arg53His (c.158G>A) is a missense variant that changes the amino acid at codon 53 from arginine to histidine. This variant has been observed in at least one proband affected with a CFH-related disorder (PMID: 26501415; 35372954; 29888403; 29500241). At least one functional study has demonstrated a substantial alteration in protein function relative to the wild-type (PMID: 36445700; 28637873; 21270465). It is absent or not present at a significant frequency in gnomAD. In conclusion, we classify CFH p.Arg53His (c.158G>A) as a likely pathogenic variant.

Labcorp Genetics (formerly Invitae), Labcorp
Classification: Uncertain significance. Last evaluated: 2025-09-26. Review status: criteria provided, single submitter. Criteria: Invitae Variant Classification Sherloc (09022015). Collection method: clinical testing. Allele origin: germline.
Comment: This sequence change replaces arginine, which is basic and polar, with histidine, which is basic and polar, at codon 53 of the CFH protein (p.Arg53His). This variant is not present in population databases (gnomAD no frequency). This missense change has been observed in individual(s) with hemolytic uremic syndrome (PMID: 35372954). ClinVar contains an entry for this variant (Variation ID: 2683636). An algorithm developed to predict the effect of missense changes on protein structure and function outputs the following: PolyPhen-2: "Probably Damaging". The histidine amino acid residue is found in multiple mammalian species, which suggests that this missense change does not adversely affect protein function. Experimental studies have shown that this missense change affects CFH function (PMID: 21270465, 28637873, 36445700). This variant disrupts the p.Arg53 amino acid residue in CFH. Other variant(s) that disrupt this residue have been determined to be pathogenic (PMID: 20203157, 22456601, 23307876, 24847005, 25006455, 26826462). This suggests that this residue is clinically significant, and that variants that disrupt this residue are likely to be disease-causing. In summary, the available evidence is currently insufficient to determine the role of this variant in disease. Therefore, it has been classified as a Variant of Uncertain Significance.

MVZ Medizinische Genetik Mainz
Classification: Pathogenic for Hemolytic uremic syndrome, atypical, susceptibility to, 1. Last evaluated: 2025-07-17. Review status: criteria provided, single submitter. Criteria: UK Practice Guidelines For Variant Classification V4 01 2020. Collection method: clinical testing. Allele origin: germline. Inheritance: Autosomal dominant inheritance. Affected: yes. Observed: 1 variant allele.
Comment: ACMG Criteria: PS4,PS3_MOD,PM1,PM5,PM2_SUP,PP4

Mayo Clinic Laboratories, Mayo Clinic
Classification: Likely pathogenic. Last evaluated: 2023-08-09. Review status: criteria provided, single submitter. Criteria: ACMG Guidelines, 2015. Collection method: clinical testing. Allele origin: germline.
Comment: PM2, PM5, PS3, PS4_moderate

Literature cited by the submitters: PubMed 26501415 (cited by Genomenon, Inc); PubMed 35372954 (cited by Genomenon, Inc and Labcorp Genetics (formerly Invitae), Labcorp); PubMed 29888403 (cited by Genomenon, Inc and Mayo Clinic Laboratories, Mayo Clinic); PubMed 29500241 (cited by Genomenon, Inc); PubMed 36445700 (cited by Genomenon, Inc and Labcorp Genetics (formerly Invitae), Labcorp); PubMed 28637873 (cited by 3 submitters); PubMed 21270465 (cited by 3 submitters); PubMed 20203157 (cited by Labcorp Genetics (formerly Invitae), Labcorp); PubMed 22456601 (cited by Labcorp Genetics (formerly Invitae), Labcorp); PubMed 23307876 (cited by Labcorp Genetics (formerly Invitae), Labcorp); PubMed 24847005 (cited by Labcorp Genetics (formerly Invitae), Labcorp); PubMed 25006455 (cited by Labcorp Genetics (formerly Invitae), Labcorp); PubMed 26826462 (cited by Labcorp Genetics (formerly Invitae), Labcorp); PubMed 17089378 (cited by Mayo Clinic Laboratories, Mayo Clinic).

NM_000186.4(CFH):c.158G>A (p.Arg53His)

Gene: CFH (complement factor H; plus strand). Cytogenetic location: 1q31.3.
Variant type: single nucleotide variant.
Coding change: c.158G>A on transcript NM_000186.4 (MANE Select); coding-DNA position 158, G replaced by A.
Protein change: p.Arg53His; replaces arginine 53 with histidine.
Molecular consequence: missense variant.
Genome position (GRCh38, 1-based): chr1:196,673,077, G>A. VCF-style: chr1-196673077-G-A. GRCh37 (hg19) VCF-style: chr1-196642207-G-A.
Other names: p.Arg53His; c.158G>A, p.Arg53His (NM_001014975.3); short protein forms R53H.
Identifiers: ClinVar variation 2683636 (VCV002683636.6), dbSNP rs976333015, ClinGen allele CA35834525.